The following is an entry in ClinVar:

NM_138615.3(DHX30):c.3363C>T (p.Ser1121=)

Gene: DHX30 (DExH-box helicase 30; plus strand). Cytogenetic location: 3p21.31.
Variant type: single nucleotide variant.
Coding change: c.3363C>T on transcript NM_138615.3 (MANE Select); coding-DNA position 3363, C replaced by T.
Protein change: p.Ser1121=; no amino-acid change (serine 1121 retained).
Molecular consequence: synonymous variant.
Genome position (GRCh38, 1-based): chr3:47,849,898, C>T. VCF-style: chr3-47849898-C-T. GRCh37 (hg19) VCF-style: chr3-47891388-C-T.
Other names: c.3279C>T, p.Ser1093= (NM_001330990.2); c.3246C>T, p.Ser1082= (NM_014966.4).
Identifiers: ClinVar variation 4534488 (VCV004534488.6).

ClinVar aggregate classification (germline): Likely benign (1 of 4 stars; one submission).

gnomAD v4.1: 53 of 1,613,336 alleles (0.0033%); highest among the groups gnomAD compares: East Asian, 0.045%; no homozygotes.

Submission:

CeGaT Center for Human Genetics Tuebingen
Classification: Likely benign. Last evaluated: 2025-11-01. Review status: criteria provided, single submitter. Criteria: CeGaT Center For Human Genetics Tuebingen Variant Classification Criteria Version 2. Collection method: clinical testing. Allele origin: germline. Affected: yes. Observed: 1 variant allele.
Comment: DHX30: BP4, BP7